The following is an entry in ClinVar:

NM_000051.4(ATM):c.7626T>A (p.Asn2542Lys)

Genes: ATM (ATM serine/threonine kinase; plus strand), C11orf65 (chromosome 11 open reading frame 65; minus strand). Cytogenetic location: 11q22.3.
Variant type: single nucleotide variant.
Coding change: c.7626T>A on transcript NM_000051.4 (MANE Select); coding-DNA position 7626, T replaced by A.
Protein change: p.Asn2542Lys; replaces asparagine 2542 with lysine.
Molecular consequence: missense variant. On other transcripts: non-coding transcript variant (1), intron variant (2).
Genome position (GRCh38, 1-based): chr11:108,331,554, T>A. VCF-style: chr11-108331554-T-A. GRCh37 (hg19) VCF-style: chr11-108202281-T-A.
Other names: c.7626T>A, p.Asn2542Lys (NM_001351834.2); c.641-22483A>T (NM_001330368.2); c.*38+3666A>T (NM_001351110.2); short protein forms N2542K.
Identifiers: ClinVar variation 524357 (VCV000524357.13), dbSNP rs1555124134, ClinGen allele CA382560866.

ClinVar aggregate classification (germline): Uncertain significance. Review status: criteria provided, multiple submitters, no conflicts (2 of 4 stars). 3 submissions from 3 submitters: Uncertain significance (3). Last evaluated 2025-10-27.

Conditions:
Hereditary cancer-predisposing syndrome. Also called: Hereditary Cancer Syndrome; Neoplastic Syndromes, Hereditary; Tumor predisposition; Hereditary neoplastic syndrome. Identifiers: Orphanet 140162, MedGen C0027672, MeSH D009386, MONDO:0015356.
Ataxia-telangiectasia syndrome (AT). Also called: Cerebello-oculocutaneous telangiectasia; Immunodeficiency with ataxia telangiectasia; Ataxia-telangiectasia, complementation group E; Ataxia-telangiectasia, complementation group D; AT, COMPLEMENTATION GROUP C; ATAXIA-TELANGIECTASIA, COMPLEMENTATION GROUP A. Identifiers: Orphanet 100, MedGen C0004135, MONDO:0008840, OMIM 208900.

Submissions (3):

Color Diagnostics, LLC DBA Color Health
Classification: Uncertain significance for Hereditary cancer-predisposing syndrome. Last evaluated: 2025-10-27. Review status: criteria provided, single submitter. Criteria: ACMG Guidelines, 2015. Collection method: clinical testing. Allele origin: germline.
Comment: This missense variant replaces asparagine with lysine at codon 2542 of the ATM protein. Computational prediction suggests that this variant may not impact protein structure and function. To our knowledge, functional studies have not been reported for this variant. This variant has not been reported in individuals affected with ATM-related disorders in the literature. This variant has not been identified in the general population by the Genome Aggregation Database (gnomAD). The available evidence is insufficient to determine the role of this variant in disease conclusively. Therefore, this variant is classified as a Variant of Uncertain Significance.

Ambry Genetics
Classification: Uncertain significance for Hereditary cancer-predisposing syndrome. Last evaluated: 2022-11-24. Review status: criteria provided, single submitter. Criteria: Ambry Variant Classification Scheme 2023. Collection method: clinical testing. Allele origin: germline.
Comment: The p.N2542K variant (also known as c.7626T>A), located in coding exon 50 of the ATM gene, results from a T to A substitution at nucleotide position 7626. The asparagine at codon 2542 is replaced by lysine, an amino acid with similar properties. This amino acid position is well conserved in available vertebrate species. In addition, this alteration is predicted to be tolerated by in silico analysis. Since supporting evidence is limited at this time, the clinical significance of this alteration remains unclear.

Labcorp Genetics (formerly Invitae), Labcorp
Classification: Uncertain significance for Ataxia-telangiectasia syndrome. Last evaluated: 2021-09-20. Review status: criteria provided, single submitter. Criteria: Invitae Variant Classification Sherloc (09022015). Collection method: clinical testing. Allele origin: germline.
Comment: This sequence change replaces asparagine with lysine at codon 2542 of the ATM protein (p.Asn2542Lys). The asparagine residue is highly conserved and there is a moderate physicochemical difference between asparagine and lysine. This variant is not present in population databases (ExAC no frequency). This variant has not been reported in the literature in individuals affected with ATM-related conditions. Algorithms developed to predict the effect of missense changes on protein structure and function (SIFT, PolyPhen-2, Align-GVGD) all suggest that this variant is likely to be tolerated. In summary, the available evidence is currently insufficient to determine the role of this variant in disease. Therefore, it has been classified as a Variant of Uncertain Significance.